The following is an entry in ClinVar:

ClinVar aggregate classification (germline): Pathogenic. Review status: no assertion criteria provided (0 of 4 stars). 2 submissions from 1 submitter: Pathogenic (2). Last evaluated 2015-01-01.

Conditions:
Retinal dystrophy. Also called: Inherited retinal dystrophy. Identifiers: Orphanet 71862, MedGen C0854723, MeSH D058499, MONDO:0019118, HP:0000556.
Abnormality of the eye. Identifiers: MedGen C4316870, HP:0000478.

gnomAD v4.1: 2 of 1,613,870 alleles (0.00012%); highest among the groups gnomAD compares: South Asian, 0.0022%; no homozygotes.

Submissions (2):

NIHR Bioresource Rare Diseases, University of Cambridge
Classification: Pathogenic for Retinal dystrophy. Last evaluated: 2015-01-01. Review status: no assertion criteria provided. Collection method: research. Allele origin: unknown. Affected: yes. Observed: 1 variant allele.

NIHR Bioresource Rare Diseases, University of Cambridge
Classification: Pathogenic for Disorder of eye. Last evaluated: 2015-01-01. Review status: no assertion criteria provided. Collection method: research. Allele origin: unknown. Affected: yes. Observed: 1 variant allele.
Comment: Rare ocular disorder associated to additional undetermined phenotypes

Literature cited by the submitters: PubMed 20673862; PubMed 28041643.

NM_016247.4(IMPG2):c.1680T>A (p.Tyr560Ter)

Gene: IMPG2 (interphotoreceptor matrix proteoglycan 2; minus strand). Cytogenetic location: 3q12.3.
Variant type: single nucleotide variant.
Coding change: c.1680T>A on transcript NM_016247.4 (MANE Select); coding-DNA position 1680, T replaced by A.
Protein change: p.Tyr560Ter; replaces tyrosine 560 with a stop codon.
Molecular consequence: nonsense.
Genome position (GRCh38, 1-based): chr3:101,244,651, A>T on the plus strand (T>A on the coding strand, the complement: IMPG2 is on the minus strand). VCF-style: chr3-101244651-A-T. GRCh37 (hg19) VCF-style: chr3-100963495-A-T.
Other names: short protein forms Y560*.
Identifiers: ClinVar variation 437938 (VCV000437938.2), dbSNP rs758291149, ClinGen allele CA353860348.